The following is an entry in ClinVar:

NM_004064.5(CDKN1B):c.296G>A (p.Cys99Tyr)

Gene: CDKN1B (cyclin dependent kinase inhibitor 1B; plus strand). Cytogenetic location: 12p13.1.
Variant type: single nucleotide variant.
Coding change: c.296G>A on transcript NM_004064.5 (MANE Select); coding-DNA position 296, G replaced by A.
Protein change: p.Cys99Tyr; replaces cysteine 99 with tyrosine.
Molecular consequence: missense variant.
Genome position (GRCh38, 1-based): chr12:12,718,135, G>A. VCF-style: chr12-12718135-G-A. GRCh37 (hg19) VCF-style: chr12-12871069-G-A.
Other names: c.296G>A (NM_004064.3); short protein forms C99Y.
Identifiers: ClinVar variation 1509383 (VCV001509383.9), dbSNP rs1946494360, ClinGen allele CA383970103.

ClinVar aggregate classification (germline): Uncertain significance. Review status: criteria provided, multiple submitters, no conflicts (2 of 4 stars). 2 submissions from 2 submitters: Uncertain significance (2). Last evaluated 2024-07-08.

Conditions:
Hereditary cancer-predisposing syndrome. Also called: Neoplastic Syndromes, Hereditary; Hereditary Cancer Syndrome; Tumor predisposition; Hereditary neoplastic syndrome. Identifiers: Orphanet 140162, MedGen C0027672, MeSH D009386, MONDO:0015356.
Multiple endocrine neoplasia type 4. Also called: MULTIPLE ENDOCRINE NEOPLASIA, TYPE IV. Identifiers: Orphanet 276152, MedGen C1970712, MONDO:0012552, OMIM 610755.

Submissions (2):

Labcorp Genetics (formerly Invitae), Labcorp
Classification: Uncertain significance for Multiple endocrine neoplasia type 4. Last evaluated: 2024-07-08. Review status: criteria provided, single submitter. Criteria: Invitae Variant Classification Sherloc (09022015). Collection method: clinical testing. Allele origin: germline.
Comment: This sequence change replaces cysteine, which is neutral and slightly polar, with tyrosine, which is neutral and polar, at codon 99 of the CDKN1B protein (p.Cys99Tyr). This variant is not present in population databases (gnomAD no frequency). This variant has not been reported in the literature in individuals affected with CDKN1B-related conditions. ClinVar contains an entry for this variant (Variation ID: 1509383). An algorithm developed to predict the effect of missense changes on protein structure and function (PolyPhen-2) suggests that this variant is likely to be tolerated. In summary, the available evidence is currently insufficient to determine the role of this variant in disease. Therefore, it has been classified as a Variant of Uncertain Significance.

Ambry Genetics
Classification: Uncertain significance for Hereditary cancer-predisposing syndrome. Last evaluated: 2024-04-26. Review status: criteria provided, single submitter. Criteria: Ambry Variant Classification Scheme 2023. Collection method: clinical testing. Allele origin: germline.
Comment: The p.C99Y variant (also known as c.296G>A), located in coding exon 1 of the CDKN1B gene, results from a G to A substitution at nucleotide position 296. The cysteine at codon 99 is replaced by tyrosine, an amino acid with highly dissimilar properties. This amino acid position is conserved. In addition, the in silico prediction for this alteration is inconclusive. Based on the available evidence, the clinical significance of this variant remains unclear.